The following is an entry in ClinVar:

NM_003803.4(MYOM1):c.1319A>G (p.Glu440Gly)

Gene: MYOM1 (myomesin 1; minus strand). Cytogenetic location: 18p11.31.
Variant type: single nucleotide variant.
Coding change: c.1319A>G on transcript NM_003803.4 (MANE Select); coding-DNA position 1319, A replaced by G.
Protein change: p.Glu440Gly; replaces glutamic acid 440 with glycine.
Molecular consequence: missense variant.
Genome position (GRCh38, 1-based): chr18:3,168,837, T>C on the plus strand (A>G on the coding strand, the complement: MYOM1 is on the minus strand). VCF-style: chr18-3168837-T-C. GRCh37 (hg19) VCF-style: chr18-3168835-T-C.
Other names: c.1319A>G, p.Glu440Gly (NM_019856.2); short protein forms E440G.
Identifiers: ClinVar variation 3670138 (VCV003670138.4).

ClinVar aggregate classification (germline): Uncertain significance. Review status: criteria provided, multiple submitters, no conflicts (2 of 4 stars). 2 submissions from 2 submitters: Uncertain significance (2). Last evaluated 2025-11-15.

Conditions:
Hypertrophic cardiomyopathy. Also called: HYPERTROPHIC MYOCARDIOPATHY. Identifiers: Orphanet 217569, MedGen C0007194, MeSH D002312, MONDO:0005045, HP:0001639.

gnomAD v4.1: 8 of 1,613,788 alleles (0.0005%); highest among the groups gnomAD compares: Non-Finnish European, 0.00068%; no homozygotes.

Submissions (2):

Ambry Genetics
Classification: Uncertain significance. Last evaluated: 2025-11-15. Review status: criteria provided, single submitter. Criteria: Ambry Variant Classification Scheme 2023. Collection method: clinical testing. Allele origin: germline.
Comment: The p.E440G variant (also known as c.1319A>G), located in coding exon 8 of the MYOM1 gene, results from an A to G substitution at nucleotide position 1319. The glutamic acid at codon 440 is replaced by glycine, an amino acid with similar properties. This amino acid position is conserved. In addition, this alteration is predicted to be tolerated by in silico analysis. Based on the available evidence, the clinical significance of this variant remains unclear.

Labcorp Genetics (formerly Invitae), Labcorp
Classification: Uncertain significance for Hypertrophic cardiomyopathy. Last evaluated: 2025-08-21. Review status: criteria provided, single submitter. Criteria: Invitae Variant Classification Sherloc (09022015). Collection method: clinical testing. Allele origin: germline.
Comment: This sequence change replaces glutamic acid, which is acidic and polar, with glycine, which is neutral and non-polar, at codon 440 of the MYOM1 protein (p.Glu440Gly). This variant is present in population databases (no rsID available, gnomAD 0.002%). This variant has not been reported in the literature in individuals affected with MYOM1-related conditions. ClinVar contains an entry for this variant (Variation ID: 3670138). Invitae Evidence Modeling of protein sequence and biophysical properties (such as structural, functional, and spatial information, amino acid conservation, physicochemical variation, residue mobility, and thermodynamic stability) indicates that this missense variant is not expected to disrupt MYOM1 protein function with a negative predictive value of 80%. In summary, the available evidence is currently insufficient to determine the role of this variant in disease. Therefore, it has been classified as a Variant of Uncertain Significance.